The following is an entry in ClinVar:

NM_001128840.3(CACNA1D):c.2742C>T (p.Phe914=)

Gene: CACNA1D (calcium voltage-gated channel subunit alpha1 D; plus strand). Cytogenetic location: 3p21.1.
Variant type: single nucleotide variant.
Coding change: c.2742C>T on transcript NM_001128840.3 (MANE Select); coding-DNA position 2742, C replaced by T.
Protein change: p.Phe914=; no amino-acid change (phenylalanine 914 retained).
Molecular consequence: synonymous variant.
Genome position (GRCh38, 1-based): chr3:53,735,494, C>T. VCF-style: chr3-53735494-C-T. GRCh37 (hg19) VCF-style: chr3-53769521-C-T.
Other names: c.2802C>T, p.Phe934= (NM_000720.4); c.2742C>T, p.Phe914= (NM_001128839.3).
Identifiers: ClinVar variation 733710 (VCV000733710.15), dbSNP rs147601660, ClinGen allele CA2454330.

ClinVar aggregate classification (germline): Likely benign. Review status: criteria provided, multiple submitters, no conflicts (2 of 4 stars). 6 submissions from 6 submitters: Likely benign (3). 3 of the submissions do not count toward it. Last evaluated 2026-01-14.

Conditions:
CACNA1D-related disorder.

Allele frequency attached by ClinVar (database versions not stated): gnomAD 0.00025 and 0.00027; TOPMed 0.00028; ESP Exome Variant Server 0.00031; gnomAD exomes 0.00037 and 0.00049; ExAC 0.00040.
gnomAD v4.1: 731 of 1,614,034 alleles (0.045%); highest among the groups gnomAD compares: Non-Finnish European, 0.058%; no homozygotes.

Submissions (6):

Labcorp Genetics (formerly Invitae), Labcorp
Classification: Likely benign. Last evaluated: 2026-01-14. Review status: criteria provided, single submitter. Criteria: Invitae Variant Classification Sherloc (09022015). Collection method: clinical testing. Allele origin: germline.

Blueprint Genetics
Classification: Likely benign. Last evaluated: 2023-09-21. Review status: criteria provided, single submitter. Criteria: ACMG Guidelines, 2015. Collection method: clinical testing. Allele origin: germline.

GeneDx
Classification: Likely benign. Last evaluated: 2019-08-27. Review status: criteria provided, single submitter. Criteria: GeneDx Variant Classification Process June 2021. Collection method: clinical testing. Allele origin: germline. Affected: yes.

PreventionGenetics, part of Exact Sciences
Classification: Likely benign for CACNA1D-related condition. Last evaluated: 2019-11-22. Review status: no assertion criteria provided. Collection method: clinical testing. Allele origin: germline. Not counted in ClinVar's aggregate classification.
Comment: This variant is classified as likely benign based on ACMG/AMP sequence variant interpretation guidelines (Richards et al. 2015 PMID: 25741868, with internal and published modifications).

Clinical Genetics DNA and cytogenetics Diagnostics Lab, Erasmus MC, Erasmus Medical Center
Classification: Likely benign. Review status: no assertion criteria provided. Collection method: clinical testing. Allele origin: germline. Affected: yes. Study: VKGL Data-share Consensus. Not counted in ClinVar's aggregate classification.

Clinical Genetics, Academic Medical Center
Classification: Benign. Review status: no assertion criteria provided. Collection method: clinical testing. Allele origin: germline. Affected: yes. Study: VKGL Data-share Consensus. Not counted in ClinVar's aggregate classification.